The following is an entry in ClinVar:

ClinVar aggregate classification (germline): Likely pathogenic (1 of 4 stars; one submission).

Conditions:
Hereditary breast ovarian cancer syndrome. Also called: Hereditary breast and ovarian cancer; Hereditary breast and ovarian cancer syndrome (HBOC); Breast and ovarian cancer; Hereditary breast and ovarian cancer syndrome; BRCA1- and BRCA2-Associated Hereditary Breast and Ovarian Cancer; Hereditary breast and/or ovarian cancer syndrome. Identifiers: Orphanet 145, MedGen C0677776, MeSH D061325, MONDO:0003582. Disease mechanism: loss of function.

Submission:

Women's Health and Genetics/Laboratory Corporation of America, LabCorp
Classification: Likely pathogenic for Hereditary breast and ovarian cancer syndrome. Last evaluated: 2018-03-20. Review status: criteria provided, single submitter. Criteria: LabCorp Variant Classification Summary - May 2015. Collection method: clinical testing. Allele origin: germline.
Comment: Variant summary: BRCA2 c.632-1dupG (p.Val211GlyfsX4) results in a premature termination codon, predicted to cause a truncation of the encoded protein or absence of the protein due to nonsense mediated decay, which are commonly known mechanisms for disease. Truncations downstream of this position have been classified as pathogenic by our laboratory (e.g., p.Val220fsX4 and p.Ser234fsX7). Several computational tools predict a significant impact on normal splicing: Four predict the variant creates a 5' donor site. However, these predictions have yet to be confirmed by functional studies. The variant was absent in 238130 control chromosomes. To our knowledge, no occurrence of c.632-1dupG in individuals affected with Hereditary Breast and Ovarian Cancer and no experimental evidence demonstrating its impact on protein function have been reported. No clinical diagnostic laboratories have submitted clinical-significance assessments for this variant to ClinVar after 2014. Based on the evidence outlined above, the variant was classified as likely pathogenic.

NM_000059.4(BRCA2):c.632-1dup

Gene: BRCA2 (BRCA2 DNA repair associated; plus strand). Cytogenetic location: 13q13.1.
Variant type: Duplication.
Coding change: c.632-1dup on transcript NM_000059.4 (MANE Select); the canonical splice acceptor site of the intron before coding-DNA position 632, one base duplicated (G; older notation c.632-1dupG).
Molecular consequence: splice acceptor variant.
Genome position (GRCh38, 1-based): chr13:32,329,442, G duplicated. VCF-style (leftmost placement, unchanged base first): chr13-32329441-A-AG. GRCh37 (hg19) VCF-style: chr13-32903578-A-AG.
Other names: c.632-1dupG (NM_000059.3).
Identifiers: ClinVar variation 632698 (VCV000632698.1), dbSNP rs1566220586, ClinGen allele CA913191074.
Genomic context (GRCh38, chr13:32,329,441, plus strand): 5'-CAAAAAATAAGTTTTTGCATTCTAGTGATAATATACAATACACATAAATTTTTATCTTAC[A>AG]GTCAGAAATGAAGAAGCATCTGAAACTGTATTTCCTCATGATACTACTGCTGTAAGTAAA-3'